The following is an entry in ClinVar:

ClinVar aggregate classification (germline): Uncertain significance (1 of 4 stars; one submission).

gnomAD v4.1: 6 of 1,613,802 alleles (0.00037%); highest among the groups gnomAD compares: Middle Eastern, 0.017%; no homozygotes.

Submission:

GeneDx
Classification: Uncertain significance. Last evaluated: 2024-06-17. Review status: criteria provided, single submitter. Criteria: GeneDx Variant Classification Process June 2021. Collection method: clinical testing. Allele origin: germline. Affected: yes.
Comment: Not observed at significant frequency in large population cohorts (gnomAD); Missense variant in a gene in which most reported pathogenic variants are truncating/loss of function; Has not been previously published as pathogenic or benign to our knowledge

NM_001267550.2(TTN):c.87478G>C (p.Glu29160Gln)

Genes: TTN (titin; minus strand), TTN-AS1 (TTN antisense RNA 1; plus strand). Cytogenetic location: 2q31.2.
Variant type: single nucleotide variant.
Coding change: c.87478G>C on transcript NM_001267550.2 (MANE Select); coding-DNA position 87478, G replaced by C.
Protein change: p.Glu29160Gln; replaces glutamic acid 29160 with glutamine.
Molecular consequence: missense variant.
Genome position (GRCh38, 1-based): chr2:178,557,876, C>G on the plus strand (G>C on the coding strand, the complement: TTN is on the minus strand). VCF-style: chr2-178557876-C-G. GRCh37 (hg19) VCF-style: chr2-179422603-C-G.
Other names: c.82555G>C, p.Glu27519Gln (NM_001256850.1); c.60283G>C, p.Glu20095Gln (NM_003319.4); c.79774G>C, p.Glu26592Gln (NM_133378.4); c.60658G>C, p.Glu20220Gln (NM_133432.3); c.60859G>C, p.Glu20287Gln (NM_133437.4); short protein forms E20095Q, E20220Q, E20287Q, E26592Q, E27519Q, E29160Q.
Identifiers: ClinVar variation 3391653 (VCV003391653.1).